The following is an entry in ClinVar:

NM_000535.7(PMS2):c.1350A>G (p.Lys450=)

Gene: PMS2 (PMS1 homolog 2, mismatch repair system component; minus strand). Cytogenetic location: 7p22.1.
Variant type: single nucleotide variant.
Coding change: c.1350A>G on transcript NM_000535.7 (MANE Select); coding-DNA position 1350, A replaced by G.
Protein change: p.Lys450=; no amino-acid change (lysine 450 retained).
Molecular consequence: synonymous variant. On other transcripts: non-coding transcript variant (1).
Genome position (GRCh38, 1-based): chr7:5,987,415, T>C on the plus strand (A>G on the coding strand, the complement: PMS2 is on the minus strand). VCF-style: chr7-5987415-T-C. GRCh37 (hg19) VCF-style: chr7-6027046-T-C.
Other names: c.945A>G, p.Lys315= (NM_001322003.2, NM_001322004.2, NM_001322005.2 and 1 more transcripts); c.1194A>G, p.Lys398= (NM_001322006.2); c.1032A>G, p.Lys344= (NM_001322007.2, NM_001322008.2); c.789A>G, p.Lys263= (NM_001322010.2); c.417A>G, p.Lys139= (NM_001322011.2, NM_001322012.2); c.777A>G, p.Lys259= (NM_001322013.2); c.1350A>G, p.Lys450= (NM_001322014.2); c.1041A>G, p.Lys347= (NM_001322015.2).
Identifiers: ClinVar variation 384056 (VCV000384056.5), dbSNP rs1057521836, ClinGen allele CA16605118.
Genomic context (GRCh38, chr7:5,987,415, plus strand): 5'-AGGTCTCAGGACGCCTTTGTCAGAGATGGCACCTGAAGTGCTAGAAGACAGCATACCCCT[T>C]TTCTGTCCTAGAGGGCTCCTTCTTGGTTCTGGAGTCTTTGGGCTGTGAGGCTTGTTCTCT-3'
Protein context (NP_000526.2, residues 440-460): PEPRRSPLGQ[Lys450=]RGMLSSSTSG

ClinVar aggregate classification (germline): Likely benign. Review status: criteria provided, multiple submitters, no conflicts (2 of 4 stars). 2 submissions from 2 submitters: Likely benign (2). Last evaluated 2022-06-14.

Conditions:
Hereditary nonpolyposis colorectal neoplasms. Identifiers: MedGen C0009405, MeSH D003123.

Submissions (2):

Labcorp Genetics (formerly Invitae), Labcorp
Classification: Likely benign for Hereditary nonpolyposis colorectal neoplasms. Last evaluated: 2022-06-14. Review status: criteria provided, single submitter. Criteria: Invitae Variant Classification Sherloc (09022015). Collection method: clinical testing. Allele origin: germline.

GeneDx
Classification: Likely benign. Last evaluated: 2016-02-18. Review status: criteria provided, single submitter. Criteria: GeneDx Variant Classification (06012015). Collection method: clinical testing. Allele origin: germline. Affected: yes.
Comment: This variant is considered likely benign or benign based on one or more of the following criteria: it is a conservative change, it occurs at a poorly conserved position in the protein, it is predicted to be benign by multiple in silico algorithms, and/or has population frequency not consistent with disease.